The following is an entry in ClinVar:

ClinVar aggregate classification (germline): Uncertain significance (0 of 4 stars; one submission).

Conditions:
VPS13B-related disorder. Also called: VPS13B-related condition.

Submission:

PreventionGenetics, part of Exact Sciences
Classification: Uncertain significance for VPS13B-related condition. Last evaluated: 2024-07-01. Review status: no assertion criteria provided. Collection method: clinical testing. Allele origin: germline.
Comment: The VPS13B c.5485A>G variant is predicted to result in the amino acid substitution p.Met1829Val. To our knowledge, this variant has not been reported in the literature or in a large population database, indicating this variant is rare. At this time, the clinical significance of this variant is uncertain due to the absence of conclusive functional and genetic evidence.

NM_152564.5(VPS13B):c.5485A>G (p.Met1829Val)

Gene: VPS13B (vacuolar protein sorting 13 homolog B; plus strand). Cytogenetic location: 8q22.2.
Variant type: single nucleotide variant.
Coding change: c.5485A>G on transcript NM_152564.5 (MANE Select); coding-DNA position 5485, A replaced by G.
Protein change: p.Met1829Val; replaces methionine 1829 with valine.
Molecular consequence: missense variant.
Genome position (GRCh38, 1-based): chr8:99,642,075, A>G. VCF-style: chr8-99642075-A-G. GRCh37 (hg19) VCF-style: chr8-100654303-A-G.
Other names: c.5560A>G, p.Met1854Val (NM_017890.5); short protein forms M1829V, M1854V.
Identifiers: ClinVar variation 3347664 (VCV003347664.1).